The following is an entry in ClinVar:

ClinVar aggregate classification (germline): Conflicting classifications of pathogenicity. Review status: criteria provided, conflicting classifications (1 of 4 stars). 6 submissions from 6 submitters: Uncertain significance (4); Likely benign (2). Last evaluated 2025-04-11.

Conditions:
Hereditary cancer-predisposing syndrome. Also called: Hereditary neoplastic syndrome; Neoplastic Syndromes, Hereditary; Tumor predisposition; Hereditary Cancer Syndrome. Identifiers: Orphanet 140162, MedGen C0027672, MeSH D009386, MONDO:0015356.
Hereditary breast ovarian cancer syndrome. Also called: Hereditary breast and ovarian cancer syndrome (HBOC); Breast and ovarian cancer; Hereditary breast and ovarian cancer syndrome; Hereditary breast and ovarian cancer; Hereditary breast and/or ovarian cancer syndrome; BRCA1- and BRCA2-Associated Hereditary Breast and Ovarian Cancer. Identifiers: Orphanet 145, MedGen C0677776, MeSH D061325, MONDO:0003582. Disease mechanism: loss of function.
Breast-ovarian cancer, familial, susceptibility to, 2 (BROVCA2). Also called: BRCA2 Hereditary Breast and Ovarian Cancer. Identifiers: Orphanet 145, MedGen C2675520, MONDO:0012933, OMIM 612555. Disease mechanism: loss of function.

Allele frequency attached by ClinVar (database versions not stated): gnomAD exomes below 0.00001.
gnomAD v4.1: 1 of 1,614,146 alleles (0.000062%); highest among the groups gnomAD compares: Non-Finnish European, 0.000085%; no homozygotes.

Submissions (6):

Quest Diagnostics Nichols Institute San Juan Capistrano
Classification: Uncertain significance. Last evaluated: 2025-04-11. Review status: criteria provided, single submitter. Criteria: Quest Diagnostics criteria. Collection method: clinical testing. Allele origin: unknown.
Comment: The BRCA2 c.9521A>G (p.Asn3174Ser) variant has not been reported in individuals with BRCA2-related conditions in the published literature. It also has not been reported in large, multi-ethnic general populations (Genome Aggregation Database). Analysis of this variant using bioinformatics tools for the prediction of the effect of amino acid changes on protein structure and function yielded predictions that this variant is benign. Based on the available information, we are unable to determine the clinical significance of this variant.

Color Diagnostics, LLC DBA Color Health
Classification: Uncertain significance for Hereditary cancer-predisposing syndrome. Last evaluated: 2023-04-12. Review status: criteria provided, single submitter. Criteria: ACMG Guidelines, 2015. Collection method: clinical testing. Allele origin: germline.
Comment: This missense variant replaces asparagine with serine at codon 3174 of the BRCA2 protein. Computational prediction suggests that this variant may not impact protein structure and function (internally defined REVEL score threshold <= 0.5, PMID: 27666373). To our knowledge, functional studies have not been reported for this variant. This variant has not been reported in individuals affected with BRCA2-related disorders in the literature. This variant has not been identified in the general population by the Genome Aggregation Database (gnomAD). The available evidence is insufficient to determine the role of this variant in disease conclusively. Therefore, this variant is classified as a Variant of Uncertain Significance.

Labcorp Genetics (formerly Invitae), Labcorp
Classification: Uncertain significance for Hereditary breast ovarian cancer syndrome. Last evaluated: 2021-10-24. Review status: criteria provided, single submitter. Criteria: Invitae Variant Classification Sherloc (09022015). Collection method: clinical testing. Allele origin: germline.
Comment: In summary, the available evidence is currently insufficient to determine the role of this variant in disease. Therefore, it has been classified as a Variant of Uncertain Significance. Algorithms developed to predict the effect of sequence changes on RNA splicing suggest that this variant may create or strengthen a splice site. Algorithms developed to predict the effect of missense changes on protein structure and function output the following: SIFT: "Tolerated"; PolyPhen-2: "Benign"; Align-GVGD: "Class C0". The serine amino acid residue is found in multiple mammalian species, which suggests that this missense change does not adversely affect protein function. ClinVar contains an entry for this variant (Variation ID: 480980). This variant has not been reported in the literature in individuals affected with BRCA2-related conditions. This variant is not present in population databases (ExAC no frequency). This sequence change replaces asparagine with serine at codon 3174 of the BRCA2 protein (p.Asn3174Ser). The asparagine residue is weakly conserved and there is a small physicochemical difference between asparagine and serine.

Mendelics
Classification: Likely benign for Breast-ovarian cancer, familial, susceptibility to, 2. Last evaluated: 2019-05-28. Review status: criteria provided, single submitter. Criteria: Mendelics Assertion Criteria 2017. Collection method: clinical testing. Allele origin: unknown.

ARUP Laboratories, Molecular Genetics and Genomics, ARUP Laboratories
Classification: Uncertain significance. Last evaluated: 2018-12-14. Review status: criteria provided, single submitter. Criteria: ARUP Molecular Germline Variant Investigation Process. Collection method: clinical testing. Allele origin: germline.
Comment: The BRCA2 c.9521A>G; p.Asn3174Ser variant, to our knowledge, is not reported in the medical literature but is reported in ClinVar (Variation ID: 480980). This variant is absent from general population databases (1000 Genomes Project, Exome Variant Server, and Genome Aggregation Database), indicating it is not a common polymorphism. The asparagine at codon 3174 is weakly conserved, and computational analyses (SIFT, PolyPhen-2) predict that this variant is tolerated. Due to limited information, the clinical significance of the p.Asn3174Ser variant is uncertain at this time.

Ambry Genetics
Classification: Likely benign for Hereditary cancer-predisposing syndrome. Last evaluated: 2016-10-13. Review status: criteria provided, single submitter. Criteria: Ambry Variant Classification Scheme 2023. Collection method: clinical testing. Allele origin: germline.

NM_000059.4(BRCA2):c.9521A>G (p.Asn3174Ser)

Gene: BRCA2 (BRCA2 DNA repair associated; plus strand). Cytogenetic location: 13q13.1.
Variant type: single nucleotide variant.
Coding change: c.9521A>G on transcript NM_000059.4 (MANE Select); coding-DNA position 9521, A replaced by G.
Protein change: p.Asn3174Ser; replaces asparagine 3174 with serine.
Molecular consequence: missense variant.
Genome position (GRCh38, 1-based): chr13:32,396,917, A>G. VCF-style: chr13-32396917-A-G. GRCh37 (hg19) VCF-style: chr13-32971054-A-G.
Other names: short protein forms N3174S.
Identifiers: ClinVar variation 480980 (VCV000480980.23), dbSNP rs1555289773, ClinGen allele CA387762989.
Genomic context (GRCh38, chr13:32,396,917, plus strand): 5'-GTTTGCAATTTATAAAGCAGCTTTTCCACTTATTTTCTTAGAATATTGACATACTTTGCA[A>G]TGAAGCAGAAAACAAGCTTATGCATATACTGCATGCAAATGATCCCAAGTGGTCCACCCC-3'
Protein context (NP_000050.3, residues 3164-3184): NTVENIDILC[Asn3174Ser]EAENKLMHIL